The following is an entry in ClinVar:

NM_003242.6(TGFBR2):c.649G>C (p.Ala217Pro)

Gene: TGFBR2 (transforming growth factor beta receptor 2; plus strand). Cytogenetic location: 3p24.1.
Variant type: single nucleotide variant.
Coding change: c.649G>C on transcript NM_003242.6 (MANE Select); coding-DNA position 649, G replaced by C.
Protein change: p.Ala217Pro; replaces alanine 217 with proline.
Molecular consequence: missense variant.
Genome position (GRCh38, 1-based): chr3:30,671,832, G>C. VCF-style: chr3-30671832-G-C. GRCh37 (hg19) VCF-style: chr3-30713324-G-C.
Other names: c.724G>C, p.Ala242Pro (NM_001024847.3); c.832G>C, p.Ala278Pro (NM_001407126.1); c.757G>C, p.Ala253Pro (NM_001407127.1); c.676G>C, p.Ala226Pro (NM_001407128.1); c.652G>C, p.Ala218Pro (NM_001407129.1); c.649G>C, p.Ala217Pro (NM_001407130.1); c.544G>C, p.Ala182Pro (NM_001407132.1, NM_001407133.1, NM_001407134.1 and 2 more transcripts); c.364G>C, p.Ala122Pro (NM_001407137.1); and 1 more; short protein forms A217P, A242P, A122P, A97P, A226P, A278P, A182P, A218P.
Identifiers: ClinVar variation 263839 (VCV000263839.19), dbSNP rs149141477, ClinGen allele CA049532.

ClinVar aggregate classification (germline): Conflicting classifications of pathogenicity. Review status: criteria provided, conflicting classifications (1 of 4 stars). 7 submissions from 7 submitters: Uncertain significance (2); Likely benign (5). Last evaluated 2026-03-27.

Conditions:
Familial thoracic aortic aneurysm and aortic dissection (TAAD). Also called: Thoracic aortic aneurysms and dissections. Identifiers: Orphanet 91387, MedGen C4707243, MONDO:0019625.

Allele frequency attached by ClinVar (database versions not stated): gnomAD exomes 0.00004 and 0.00009; ExAC 0.00011; 1000 Genomes Project 0.00040; gnomAD 0.00041 and 0.00046; ESP Exome Variant Server 0.00046; 1000 Genomes Project 30x 0.00047; TOPMed 0.00047.
gnomAD v4.1: 128 of 1,614,206 alleles (0.0079%); highest among the groups gnomAD compares: African/African-American, 0.16%; no homozygotes.

Submissions (7):

Molecular Diagnostic Laboratory for Inherited Cardiovascular Disease, Montreal Heart Institute
Classification: Likely benign. Last evaluated: 2026-03-27. Review status: criteria provided, single submitter. Criteria: ACMG Guidelines, 2015. Collection method: clinical testing. Allele origin: germline. Affected: no.
Comment: PP2, BS1

Labcorp Genetics (formerly Invitae), Labcorp
Classification: Likely benign for Familial thoracic aortic aneurysm and aortic dissection. Last evaluated: 2025-12-01. Review status: criteria provided, single submitter. Criteria: Invitae Variant Classification Sherloc (09022015). Collection method: clinical testing. Allele origin: germline.

Ambry Genetics
Classification: Uncertain significance for Familial thoracic aortic aneurysm and aortic dissection. Last evaluated: 2024-09-17. Review status: criteria provided, single submitter. Criteria: Ambry Variant Classification Scheme 2023. Collection method: clinical testing. Allele origin: germline.
Comment: The p.A217P variant (also known as c.649G>C), located in coding exon 4 of the TGFBR2 gene, results from a G to C substitution at nucleotide position 649. The alanine at codon 217 is replaced by proline, an amino acid with highly similar properties. This amino acid position is highly conserved in available vertebrate species. In addition, the in silico prediction for this alteration is inconclusive. Since supporting evidence is limited at this time, the clinical significance of this alteration remains unclear.

Blueprint Genetics
Classification: Likely benign. Last evaluated: 2022-05-05. Review status: criteria provided, single submitter. Criteria: ACMG Guidelines, 2015. Collection method: clinical testing. Allele origin: germline.

GeneDx
Classification: Likely benign. Last evaluated: 2021-05-04. Review status: criteria provided, single submitter. Criteria: GeneDx Variant Classification Process June 2021. Collection method: clinical testing. Allele origin: germline. Affected: yes.
Comment: In silico analysis supports that this missense variant does not alter protein structure/function

Color Diagnostics, LLC DBA Color Health
Classification: Likely benign for Familial thoracic aortic aneurysm and aortic dissection. Last evaluated: 2018-11-30. Review status: criteria provided, single submitter. Criteria: ACMG Guidelines, 2015. Collection method: clinical testing. Allele origin: germline.

Center for Human Genetics, Inc
Classification: Uncertain significance for Familial thoracic aortic aneurysm and aortic dissection. Last evaluated: 2016-11-01. Review status: criteria provided, single submitter. Criteria: ACMG Guidelines, 2015. Collection method: clinical testing. Allele origin: germline. Affected: yes.